The following is an entry in ClinVar:

NM_001353345.2(SETD1B):c.2742C>T (p.Gly914=)

Gene: SETD1B (SET domain containing 1B, histone lysine methyltransferase; plus strand). Cytogenetic location: 12q24.31.
Variant type: single nucleotide variant.
Coding change: c.2742C>T on transcript NM_001353345.2 (MANE Select); coding-DNA position 2742, C replaced by T.
Protein change: p.Gly914=; no amino-acid change (glycine 914 retained).
Molecular consequence: synonymous variant.
Genome position (GRCh38, 1-based): chr12:121,817,059, C>T. VCF-style: chr12-121817059-C-T. GRCh37 (hg19) VCF-style: chr12-122254965-C-T.
Other names: NM_015048.1:c.2742C>T; NC_000012.11:g.122254965C>T.
Identifiers: ClinVar variation 3033750 (VCV003033750.7), dbSNP rs564404263, ClinGen allele CA6838983.
Genomic context (GRCh38, chr12:121,817,059, plus strand): 5'-AAGCGGTGACGGTCCCCTCCTGTCTCCACCCCAGGCCTCGCTGACCCCGGTGAAGTCGGG[C>T]GAGCACAAGGACGAGGACAGGCCGAAGCCCAAGGACCGCATCGCCTCGTGCCTGCTGGAG-3'
Protein context (NP_001340274.1, residues 904-924): AKASLTPVKS[Gly914=]EHKDEDRPKP

ClinVar aggregate classification (germline): Likely benign. Review status: criteria provided, single submitter (1 of 4 stars). 2 submissions from 2 submitters: Likely benign (1). 1 of the submissions does not count toward it. Last evaluated 2026-09-01.

Conditions:
SETD1B-related disorder. Also called: SETD1B-related condition.

Allele frequency attached by ClinVar (database versions not stated): ExAC 0.00008; gnomAD exomes 0.00009; gnomAD 0.00012; TOPMed 0.00017; 1000 Genomes Project 0.00020; 1000 Genomes Project 30x 0.00047.
gnomAD v4.1: 149 of 1,534,388 alleles (0.0097%); highest among the groups gnomAD compares: Admixed American, 0.08%; no homozygotes.

Submissions (3):

CeGaT Center for Human Genetics Tuebingen
Classification: Likely benign. Last evaluated: 2026-09-01. Review status: criteria provided, single submitter. Criteria: CeGaT Center For Human Genetics Tuebingen Variant Classification Criteria Version 2. Collection method: clinical testing. Allele origin: germline. Affected: yes. Observed: 3 variant alleles.
Comment: SETD1B: BP4, BP7

PreventionGenetics, part of Exact Sciences
Classification: Likely benign for SETD1B-related condition. Last evaluated: 2023-10-18. Review status: no assertion criteria provided. Collection method: clinical testing. Allele origin: germline. Not counted in ClinVar's aggregate classification.
Comment: This variant is classified as likely benign based on ACMG/AMP sequence variant interpretation guidelines (Richards et al. 2015 PMID: 25741868, with internal and published modifications).

Dr. Peter K. Rogan Lab, Western University
No classification provided (evidence only). Condition: Cervical cancer. Review status: no classification provided. Collection method: in vitro. Allele origin: not applicable. Functional consequence: retained intron. Not counted in ClinVar's aggregate classification.